The following is an entry in ClinVar:

NM_001163435.3(TBCK):c.1378del (p.Trp460fs)

Gene: TBCK (TBC1 domain containing kinase; minus strand). Cytogenetic location: 4q24.
Variant type: Deletion.
Coding change: c.1378del on transcript NM_001163435.3 (MANE Select); coding-DNA position 1378, one base deleted (T; older notation c.1378delT).
Protein change: p.Trp460fs; shifts the reading frame from tryptophan 460.
Molecular consequence: frameshift variant.
Genome position (GRCh38, 1-based): chr4:106,235,340, A deleted on the plus strand (T on the coding strand, the reverse complement: TBCK is on the minus strand). VCF-style (leftmost placement, unchanged base first): chr4-106235339-CA-C. GRCh37 (hg19) VCF-style: chr4-107156496-CA-C.
Other names: c.1378del, p.Trp460fs (NM_001163436.4); c.1261del, p.Trp421fs (NM_001163437.3); c.862del, p.Trp288fs (NM_001290768.2); c.1189del, p.Trp397fs (NM_033115.5); short protein forms W397fs, W288fs, W421fs, W460fs.
Identifiers: ClinVar variation 2018585 (VCV002018585.4), dbSNP rs1759331986, ClinGen allele CA1483148916.

ClinVar aggregate classification (germline): Pathogenic (1 of 4 stars; one submission).

Submission:

Labcorp Genetics (formerly Invitae), Labcorp
Classification: Pathogenic. Last evaluated: 2022-07-21. Review status: criteria provided, single submitter. Criteria: Invitae Variant Classification Sherloc (09022015). Collection method: clinical testing. Allele origin: germline.
Comment: For these reasons, this variant has been classified as Pathogenic. This variant has not been reported in the literature in individuals affected with TBCK-related conditions. This variant is not present in population databases (gnomAD no frequency). This sequence change creates a premature translational stop signal (p.Trp460Glyfs*12) in the TBCK gene. It is expected to result in an absent or disrupted protein product. Loss-of-function variants in TBCK are known to be pathogenic (PMID: 27040692, 30103036).

Literature cited by the submitters: PubMed 27040692; PubMed 30103036.